The following is an entry in ClinVar:

ClinVar aggregate classification (germline): Uncertain significance (1 of 4 stars; one submission).

Conditions:
Cardiomyopathy (CMYO). Also called: Cardiomyopathies. Identifiers: Orphanet 167848, MedGen C0878544, MONDO:0004994, HP:0001638. Inheritance: Various modes of inheritance.

gnomAD v4.1: 1 of 1,613,772 alleles (0.000062%); highest among the groups gnomAD compares: Non-Finnish European, 0.000085%; no homozygotes.

Submission:

Color Diagnostics, LLC DBA Color Health
Classification: Uncertain significance for Cardiomyopathy. Last evaluated: 2024-08-05. Review status: criteria provided, single submitter. Criteria: ACMG Guidelines, 2015. Collection method: clinical testing. Allele origin: germline.
Comment: This missense variant replaces lysine with asparagine at codon 1786 of the DSP protein. Computational prediction suggests that this variant may not impact protein structure and function (internally defined REVEL score threshold <= 0.5, PMID: 27666373). To our knowledge, functional studies have not been reported for this variant. This variant has not been reported in individuals affected with DSP-related disorders in the literature. This variant has not been identified in the general population by the Genome Aggregation Database (gnomAD). The available evidence is insufficient to determine the role of this variant in disease conclusively. Therefore, this variant is classified as a Variant of Uncertain Significance.

NM_004415.4(DSP):c.5358A>T (p.Lys1786Asn)

Gene: DSP (desmoplakin; plus strand). Cytogenetic location: 6p24.3.
Variant type: single nucleotide variant.
Coding change: c.5358A>T on transcript NM_004415.4 (MANE Select); coding-DNA position 5358, A replaced by T.
Protein change: p.Lys1786Asn; replaces lysine 1786 with asparagine.
Molecular consequence: missense variant. On other transcripts: intron variant (2).
Genome position (GRCh38, 1-based): chr6:7,581,548, A>T. VCF-style: chr6-7581548-A-T. GRCh37 (hg19) VCF-style: chr6-7581781-A-T.
Other names: c.4051-1094A>T (NM_001319034.2); c.3583-1094A>T (NM_001008844.3); short protein forms K1786N.
Identifiers: ClinVar variation 3894034 (VCV003894034.1).